The following is an entry in ClinVar:

NM_005502.4(ABCA1):c.1329G>C (p.Arg443Ser)

Gene: ABCA1 (ATP binding cassette subfamily A member 1; minus strand). Cytogenetic location: 9q31.1.
Variant type: single nucleotide variant.
Coding change: c.1329G>C on transcript NM_005502.4 (MANE Select); coding-DNA position 1329, G replaced by C.
Protein change: p.Arg443Ser; replaces arginine 443 with serine.
Molecular consequence: missense variant.
Genome position (GRCh38, 1-based): chr9:104,832,754, C>G on the plus strand (G>C on the coding strand, the complement: ABCA1 is on the minus strand). VCF-style: chr9-104832754-C-G. GRCh37 (hg19) VCF-style: chr9-107595035-C-G.
Other names: short protein forms R443S.
Identifiers: ClinVar variation 1770088 (VCV001770088.2), dbSNP rs1458690339, ClinGen allele CA374326161.
Genomic context (GRCh38, chr9:104,832,754, plus strand): 5'-GATGTCTTGGGCTGTCCAATCTAAGCCATCCAACTGCTGTTCCCAAAAGTGGTCATTGTC[C>G]CTGCTGTCCAACAGCATCTGCCATTCCAGTGAGAAAGTACAAGTAGTAAACACCAACTAA-3'
Protein context (NP_005493.2, residues 433-453): MDLVRMLLDS[Arg443Ser]DNDHFWEQQL

ClinVar aggregate classification (germline): Uncertain significance (1 of 4 stars; one submission).

Conditions:
Cardiovascular phenotype. Identifiers: MedGen CN230736.

Allele frequency attached by ClinVar (database versions not stated): TOPMed below 0.00001; gnomAD 0.00001.
gnomAD v4.1: 2 of 1,614,060 alleles (0.00012%); highest among the groups gnomAD compares: African/African-American, 0.0027%; no homozygotes.

Submission:

Ambry Genetics
Classification: Uncertain significance for Cardiovascular phenotype. Last evaluated: 2022-01-10. Review status: criteria provided, single submitter. Criteria: Ambry Variant Classification Scheme 2023. Collection method: clinical testing. Allele origin: germline.
Comment: The p.R443S variant (also known as c.1329G>C), located in coding exon 11 of the ABCA1 gene, results from a G to C substitution at nucleotide position 1329. The arginine at codon 443 is replaced by serine, an amino acid with dissimilar properties. This amino acid position is conserved. In addition, this alteration is predicted to be tolerated by in silico analysis. Since supporting evidence is limited at this time, the clinical significance of this alteration remains unclear.